The following is an entry in ClinVar:

NM_001165963.4(SCN1A):c.5992G>C (p.Glu1998Gln)

Genes: SCN1A (sodium voltage-gated channel alpha subunit 1; minus strand), LOC102724058 (uncharacterized LOC102724058; plus strand). Cytogenetic location: 2q24.3.
Variant type: single nucleotide variant.
Coding change: c.5992G>C on transcript NM_001165963.4 (MANE Select); coding-DNA position 5992, G replaced by C.
Protein change: p.Glu1998Gln; replaces glutamic acid 1998 with glutamine.
Molecular consequence: missense variant. On other transcripts: non-coding transcript variant (1).
Genome position (GRCh38, 1-based): chr2:165,991,283, C>G on the plus strand (G>C on the coding strand, the complement: SCN1A is on the minus strand). VCF-style: chr2-165991283-C-G. GRCh37 (hg19) VCF-style: chr2-166847793-C-G.
Other names: c.5908G>C, p.Glu1970Gln (NM_001165964.3, NM_001353957.2, NM_001353958.2); c.5992G>C, p.Glu1998Gln (NM_001202435.3, NM_001353948.2); c.5959G>C, p.Glu1987Gln (NM_001353949.2, NM_001353950.2, NM_001353951.2 and 2 more transcripts); c.5956G>C, p.Glu1986Gln (NM_001353954.2, NM_001353955.2); c.5905G>C, p.Glu1969Gln (NM_001353960.2); c.3550G>C, p.Glu1184Gln (NM_001353961.2); short protein forms E1998Q, E1987Q, E1969Q, E1986Q, E1184Q, E1970Q.
Identifiers: ClinVar variation 331880 (VCV000331880.14), dbSNP rs886055041, ClinGen allele CA10611199.

ClinVar aggregate classification (germline): Uncertain significance. Review status: criteria provided, multiple submitters, no conflicts (2 of 4 stars). 3 submissions from 2 submitters: Uncertain significance (3). Last evaluated 2025-04-27.

Conditions:
Early-infantile DEE. Also called: Early infantile epileptic encephalopathy; Early infantile epileptic encephalopathy with suppression bursts; Ohtahara syndrome. Identifiers: Orphanet 1934, MedGen C0393706, MONDO:0800491.
Generalized epilepsy with febrile seizures plus, type 2 (GEFSP2). Also called: GEFS+, TYPE 2. Identifiers: Orphanet 36387, MedGen C1858673, MONDO:0011461, OMIM 604403.
Migraine, familial hemiplegic, 3. Identifiers: Orphanet 569, MedGen C1864987, MONDO:0012320, OMIM 609634.

Allele frequency attached by ClinVar (database versions not stated): TOPMed 0.00001.
gnomAD v4.1: 2 of 1,613,542 alleles (0.00012%); highest among the groups gnomAD compares: Admixed American, 0.0017%; no homozygotes.

Submissions (3):

Labcorp Genetics (formerly Invitae), Labcorp
Classification: Uncertain significance for Early-infantile DEE. Last evaluated: 2025-04-27. Review status: criteria provided, single submitter. Criteria: Invitae Variant Classification Sherloc (09022015). Collection method: clinical testing. Allele origin: germline.
Comment: This sequence change replaces glutamic acid, which is acidic and polar, with glutamine, which is neutral and polar, at codon 1998 of the SCN1A protein (p.Glu1998Gln). This variant is present in population databases (no rsID available, gnomAD 0.003%). This variant has not been reported in the literature in individuals affected with SCN1A-related conditions. ClinVar contains an entry for this variant (Variation ID: 331880). Invitae Evidence Modeling of protein sequence and biophysical properties (such as structural, functional, and spatial information, amino acid conservation, physicochemical variation, residue mobility, and thermodynamic stability) indicates that this missense variant is not expected to disrupt SCN1A protein function with a negative predictive value of 95%. In summary, the available evidence is currently insufficient to determine the role of this variant in disease. Therefore, it has been classified as a Variant of Uncertain Significance.

Illumina Laboratory Services, Illumina
Classification: Uncertain significance for Migraine, familial hemiplegic, 3. Last evaluated: 2018-01-12. Review status: criteria provided, single submitter. Criteria: ICSL Variant Classification Criteria 13 December 2019. Collection method: clinical testing. Allele origin: germline.

Illumina Laboratory Services, Illumina
Classification: Uncertain significance for Generalized epilepsy with febrile seizures plus, type 2. Last evaluated: 2018-01-12. Review status: criteria provided, single submitter. Criteria: ICSL Variant Classification Criteria 13 December 2019. Collection method: clinical testing. Allele origin: germline.